The following is an entry in ClinVar:

NM_032131.6(ARMC2):c.2227A>G (p.Asn743Asp)

Gene: ARMC2 (armadillo repeat containing 2; plus strand). Cytogenetic location: 6q21.
Variant type: single nucleotide variant.
Coding change: c.2227A>G on transcript NM_032131.6 (MANE Select); coding-DNA position 2227, A replaced by G.
Protein change: p.Asn743Asp; replaces asparagine 743 with aspartic acid.
Molecular consequence: missense variant.
Genome position (GRCh38, 1-based): chr6:108,964,254, A>G. VCF-style: chr6-108964254-A-G. GRCh37 (hg19) VCF-style: chr6-109285457-A-G.
Other names: c.1732A>G, p.Asn578Asp (NM_001286609.2); short protein forms N578D, N743D.
Identifiers: ClinVar variation 3239656 (VCV003239656.2).

ClinVar aggregate classification (germline): Likely pathogenic (1 of 4 stars; one submission).

Conditions:
Reduced sperm motility. Also called: asthenozoospermia. Identifiers: MedGen C4082176, HP:0012207.
Abnormal sperm morphology. Also called: Teratozoospermia. Identifiers: MedGen C0403824, HP:0012864.

Submission:

Huzhibin Lab, Nanjing Medical University
Classification: Likely pathogenic for Reduced sperm motility; Abnormal sperm morphology. Review status: criteria provided, single submitter. Criteria: ACMG Guidelines, 2015. Collection method: research. Allele origin: germline. Inheritance: Autosomal recessive inheritance. Affected: yes. Observed: 1 variant allele, 1 homozygote.
Comment: Criteria:PS4,PM2,PP3 This gene is a known causative gene for teratozoospermia, and male knockout mice of this gene have been shown to have a teratospermic phenotype and be infertile in males. While the variant we found here is a missense but not LoF variant. This rare homozygous variant in this gene was not found in the control population, and this variant cannot be found in the gnomad and ExAC databases, it was also predicted to be pathogenic by multiple algorithms,such as CADD(27), polyphen(0.998), SIFT(0), AlphaMissense(Pathogenic).

Literature cited by the submitters: PubMed 30686508.